The following is an entry in ClinVar:

ClinVar aggregate classification (germline): Uncertain significance (1 of 4 stars; one submission).

Conditions:
Glycine encephalopathy. Also called: Nonketotic hyperglycinemia; Non-ketotic hyperglycinemia. Identifiers: Orphanet 407, MedGen C0751748, MONDO:0011612, HP:0008288.

Allele frequency attached by ClinVar (database versions not stated): gnomAD exomes below 0.00001.
gnomAD v4.1: 2 of 1,612,162 alleles (0.00012%); highest among the groups gnomAD compares: Admixed American, 0.0033%; no homozygotes.

Submission:

Labcorp Genetics (formerly Invitae), Labcorp
Classification: Uncertain significance for Glycine encephalopathy. Last evaluated: 2022-08-26. Review status: criteria provided, single submitter. Criteria: Invitae Variant Classification Sherloc (09022015). Collection method: clinical testing. Allele origin: germline.
Comment: In summary, the available evidence is currently insufficient to determine the role of this variant in disease. Therefore, it has been classified as a Variant of Uncertain Significance. Advanced modeling of protein sequence and biophysical properties (such as structural, functional, and spatial information, amino acid conservation, physicochemical variation, residue mobility, and thermodynamic stability) performed at Invitae indicates that this missense variant is not expected to disrupt GLDC protein function. This variant has not been reported in the literature in individuals affected with GLDC-related conditions. This variant is present in population databases (no rsID available, gnomAD 0.003%). This sequence change replaces serine, which is neutral and polar, with arginine, which is basic and polar, at codon 286 of the GLDC protein (p.Ser286Arg).

NM_000170.3(GLDC):c.858T>G (p.Ser286Arg)

Gene: GLDC (glycine decarboxylase; minus strand). Cytogenetic location: 9p24.1.
Variant type: single nucleotide variant.
Coding change: c.858T>G on transcript NM_000170.3 (MANE Select); coding-DNA position 858, T replaced by G.
Protein change: p.Ser286Arg; replaces serine 286 with arginine.
Molecular consequence: missense variant.
Genome position (GRCh38, 1-based): chr9:6,605,134, A>C on the plus strand (T>G on the coding strand, the complement: GLDC is on the minus strand). VCF-style: chr9-6605134-A-C. GRCh37 (hg19) VCF-style: chr9-6605134-A-C.
Other names: short protein forms S286R.
Identifiers: ClinVar variation 2418664 (VCV002418664.9), dbSNP rs1333032735, ClinGen allele CA372896226.
Genomic context (GRCh38, chr9:6,605,134, plus strand): 5'-GACAGATACAAGTTGGGATACGCCTCCACGGACCCCCCACAAGAAAGGTATACCTACCCC[A>C]CTCTGATGAGCTCTCTCCACGAGTTCCGTAAAGTCTTCCACCTTCCCCTCCGTGTCTGGG-3'
Protein context (NP_000161.2, residues 276-296): FTELVERAHQ[Ser286Arg]GSLACCATDL